The following is an entry in ClinVar:

ClinVar aggregate classification (germline): Benign/Likely benign. Review status: criteria provided, multiple submitters, no conflicts (2 of 4 stars). 2 submissions from 2 submitters: Benign (1); Likely benign (1). Last evaluated 2024-10-08.

Conditions:
Hereditary cancer-predisposing syndrome. Also called: Hereditary Cancer Syndrome; Hereditary neoplastic syndrome; Neoplastic Syndromes, Hereditary; Tumor predisposition. Identifiers: Orphanet 140162, MedGen C0027672, MeSH D009386, MONDO:0015356.
Familial cancer of breast. Also called: BREAST CANCER, FAMILIAL; Hereditary breast cancer; hereditary breast carcinoma. Identifiers: Orphanet 227535, MedGen C0346153, MONDO:0016419, OMIM 114480. Disease mechanism: loss of function.

Submissions (2):

Myriad Genetics, Inc.
Classification: Benign for Familial cancer of breast. Last evaluated: 2024-10-08. Review status: criteria provided, single submitter. Criteria: Myriad Autosomal Dominant, Autosomal Recessive and X-Linked Classification Criteria (2023). Collection method: clinical testing. Allele origin: unknown.
Comment: This variant is considered benign. This variant is a silent/synonymous amino acid change and it is not expected to impact splicing.

Ambry Genetics
Classification: Likely benign for Hereditary cancer-predisposing syndrome. Last evaluated: 2022-06-20. Review status: criteria provided, single submitter. Criteria: Ambry Variant Classification Scheme 2023. Collection method: clinical testing. Allele origin: germline.

NM_007194.4(CHEK2):c.1500T>G (p.Ser500=)

Gene: CHEK2 (checkpoint kinase 2; minus strand). Cytogenetic location: 22q12.1.
Variant type: single nucleotide variant.
Coding change: c.1500T>G on transcript NM_007194.4 (MANE Select); coding-DNA position 1500, T replaced by G.
Protein change: p.Ser500=; no amino-acid change (serine 500 retained).
Molecular consequence: synonymous variant.
Genome position (GRCh38, 1-based): chr22:28,689,177, A>C on the plus strand (T>G on the coding strand, the complement: CHEK2 is on the minus strand). VCF-style: chr22-28689177-A-C. GRCh37 (hg19) VCF-style: chr22-29085165-A-C.
Other names: c.1629T>G, p.Ser543= (NM_001005735.3); c.837T>G, p.Ser279= (NM_001257387.3); c.1299T>G, p.Ser433= (NM_001349956.3); c.1413T>G, p.Ser471= (NM_145862.3).
Identifiers: ClinVar variation 1774023 (VCV001774023.3), dbSNP rs1057521300, ClinGen allele CA513944721.
Genomic context (GRCh38, chr22:28,689,177, plus strand): 5'-CATCAGGAATACGAATACCTGGGCTAGAACCTGGGGTAGAGCTGTGGATTCATTTTCCTC[A>C]GACAGAAGATCTTGAAACTTTCTCTTCATGTCTTCATCCTGTGAGGGAATTAAAAACATA-3'
Protein context (NP_009125.1, residues 490-510): DMKRKFQDLL[Ser500=]EENESTALPQ